The following is an entry in ClinVar:

NM_139027.6(ADAMTS13):c.1024C>A (p.Leu342Met)

Gene: ADAMTS13 (ADAM metallopeptidase with thrombospondin type 1 motif 13; plus strand). Cytogenetic location: 9q34.2.
Variant type: single nucleotide variant.
Coding change: c.1024C>A on transcript NM_139027.6 (MANE Select); coding-DNA position 1024, C replaced by A.
Protein change: p.Leu342Met; replaces leucine 342 with methionine.
Molecular consequence: missense variant. On other transcripts: non-coding transcript variant (1).
Genome position (GRCh38, 1-based): chr9:133,432,624, C>A. VCF-style: chr9-133432624-C-A. GRCh37 (hg19) VCF-style: chr9-136297745-C-A.
Other names: c.1024C>A, p.Leu342Met (NM_139025.5); c.931C>A, p.Leu311Met (NM_139026.6); short protein forms L342M, L311M.
Identifiers: ClinVar variation 2814900 (VCV002814900.3), dbSNP rs2491153696, ClinGen allele CA375388422.

ClinVar aggregate classification (germline): Uncertain significance (1 of 4 stars; one submission).

Allele frequency attached by ClinVar (database versions not stated): gnomAD exomes below 0.00001.
gnomAD v4.1: 1 of 1,557,930 alleles (0.000064%); highest among the groups gnomAD compares: Non-Finnish European, 0.000087%; no homozygotes.

Submission:

Labcorp Genetics (formerly Invitae), Labcorp
Classification: Uncertain significance. Last evaluated: 2022-11-17. Review status: criteria provided, single submitter. Criteria: Invitae Variant Classification Sherloc (09022015). Collection method: clinical testing. Allele origin: germline.
Comment: This variant has not been reported in the literature in individuals affected with ADAMTS13-related conditions. Algorithms developed to predict the effect of missense changes on protein structure and function (SIFT, PolyPhen-2, Align-GVGD) all suggest that this variant is likely to be tolerated. In summary, the available evidence is currently insufficient to determine the role of this variant in disease. Therefore, it has been classified as a Variant of Uncertain Significance. This sequence change replaces leucine, which is neutral and non-polar, with methionine, which is neutral and non-polar, at codon 342 of the ADAMTS13 protein (p.Leu342Met). This variant is not present in population databases (gnomAD no frequency).